The following is an entry in ClinVar:

NM_006892.4(DNMT3B):c.1633C>T (p.Arg545Cys)

Genes: DNMT3B (DNA methyltransferase 3 beta; plus strand), LOC126863014 (CDK7 strongly-dependent group 2 enhancer GRCh37_chr20:31385992-31387191; plus strand). Cytogenetic location: 20q11.21.
Variant type: single nucleotide variant.
Coding change: c.1633C>T on transcript NM_006892.4 (MANE Select); coding-DNA position 1633, C replaced by T.
Protein change: p.Arg545Cys; replaces arginine 545 with cysteine.
Molecular consequence: missense variant.
Genome position (GRCh38, 1-based): chr20:32,798,602, C>T. VCF-style: chr20-32798602-C-T. GRCh37 (hg19) VCF-style: chr20-31386408-C-T.
Other names: c.1447C>T, p.Arg483Cys (NM_001207055.2); c.1345C>T, p.Arg449Cys (NM_001207056.2); c.1573C>T, p.Arg525Cys (NM_175848.2, NM_175849.2); c.1609C>T, p.Arg537Cys (NM_175850.3); short protein forms R449C, R483C, R525C, R537C, R545C.
Identifiers: ClinVar variation 1055121 (VCV001055121.4), dbSNP rs372550911, ClinGen allele CA9810651.

ClinVar aggregate classification (germline): Uncertain significance (1 of 4 stars; one submission).

Conditions:
Centromeric instability of chromosomes 1,9 and 16 and immunodeficiency (ICF1). Also called: CENTROMERIC INSTABILITY, IMMUNODEFICIENCY SYNDROME; IMMUNE DEFICIENCY, VARIABLE, WITH CENTROMERIC INSTABILITY OF CHROMOSOMES 1, 9, AND 16; IMMUNODEFICIENCY SYNDROME, VARIABLE; Immunodeficiency-centromeric instability-facial anomalies. Identifiers: Orphanet 2268, MedGen C0398788, MONDO:0000133.

Allele frequency attached by ClinVar (database versions not stated): gnomAD exomes 0.00002 and 0.00006; ExAC 0.00003; gnomAD 0.00003 and 0.00004; TOPMed 0.00006; ESP Exome Variant Server 0.00008.
gnomAD v4.1: 31 of 1,614,064 alleles (0.0019%); highest among the groups gnomAD compares: South Asian, 0.012%; 1 homozygote.

Submission:

Labcorp Genetics (formerly Invitae), Labcorp
Classification: Uncertain significance for Centromeric instability of chromosomes 1,9 and 16 and immunodeficiency. Last evaluated: 2022-07-12. Review status: criteria provided, single submitter. Criteria: Invitae Variant Classification Sherloc (09022015). Collection method: clinical testing. Allele origin: germline.
Comment: This sequence change replaces arginine, which is basic and polar, with cysteine, which is neutral and slightly polar, at codon 545 of the DNMT3B protein (p.Arg545Cys). This variant is present in population databases (rs372550911, gnomAD 0.03%). This variant has not been reported in the literature in individuals affected with DNMT3B-related conditions. ClinVar contains an entry for this variant (Variation ID: 1055121). Algorithms developed to predict the effect of missense changes on protein structure and function output the following: SIFT: "Deleterious"; PolyPhen-2: "Probably Damaging"; Align-GVGD: "Class C65". The cysteine amino acid residue is found in multiple mammalian species, which suggests that this missense change does not adversely affect protein function. In summary, the available evidence is currently insufficient to determine the role of this variant in disease. Therefore, it has been classified as a Variant of Uncertain Significance.